The following is an entry in ClinVar:

ClinVar aggregate classification (germline): Benign/Likely benign. Review status: criteria provided, multiple submitters, no conflicts (2 of 4 stars). 9 submissions from 9 submitters: Benign (7); Likely benign (2). Last evaluated 2026-02-04.

Conditions:
Ichthyosis linearis circumflexa. Identifiers: MedGen C0265962, MONDO:0043106, HP:0025810.
Netherton syndrome (NETH). Also called: ERYTHRODERMA, ICHTHYOSIFORM, WITH HYPOTRICHOSIS AND HYPER-IgE; COMEL-NETHERTON SYNDROME; NETHERTON DISEASE. Identifiers: Orphanet 634, MedGen C5574950, MONDO:0009735, OMIM 256500.

Allele frequency attached by ClinVar (database versions not stated): ESP Exome Variant Server 0.09867; gnomAD 0.10250; TOPMed 0.11015; gnomAD exomes 0.12921; ExAC 0.15626; 1000 Genomes Project 30x 0.17146; 1000 Genomes Project 0.17452.
gnomAD v4.1: 161,048 of 1,603,508 alleles (10%); highest among the groups gnomAD compares: East Asian, 29%; 11,474 homozygotes.

Submissions (9):

Labcorp Genetics (formerly Invitae), Labcorp
Classification: Benign for Ichthyosis linearis circumflexa. Last evaluated: 2026-02-04. Review status: criteria provided, single submitter. Criteria: Invitae Variant Classification Sherloc (09022015). Collection method: clinical testing. Allele origin: germline.

Women's Health and Genetics/Laboratory Corporation of America, LabCorp
Classification: Likely benign. Last evaluated: 2026-01-21. Review status: criteria provided, single submitter. Criteria: LabCorp Variant Classification Summary - May 2015. Collection method: clinical testing. Allele origin: germline.

Blueprint Genetics
Classification: Likely benign. Last evaluated: 2024-11-26. Review status: criteria provided, single submitter. Criteria: ACMG Guidelines, 2015. Collection method: clinical testing. Allele origin: germline.

Genome-Nilou Lab
Classification: Benign for Netherton syndrome. Last evaluated: 2021-07-15. Review status: criteria provided, single submitter. Criteria: ACMG Guidelines, 2015. Collection method: clinical testing. Allele origin: germline. Affected: no.

Mayo Clinic Laboratories, Mayo Clinic
Classification: Benign. Last evaluated: 2019-10-29. Review status: criteria provided, single submitter. Criteria: ACMG Guidelines, 2015. Collection method: clinical testing. Allele origin: germline. Observed: 20 variant alleles.

Illumina Laboratory Services, Illumina
Classification: Benign for Netherton syndrome. Last evaluated: 2018-01-12. Review status: criteria provided, single submitter. Criteria: ICSL Variant Classification Criteria 13 December 2019. Collection method: clinical testing. Allele origin: germline.
Comment: This variant was observed in the ICSL laboratory as part of a predisposition screen in an ostensibly healthy population. It had not been previously curated by ICSL or reported in the Human Gene Mutation Database (HGMD: prior to June 1st, 2018), and was therefore a candidate for classification through an automated scoring system. Utilizing variant allele frequency, disease prevalence and penetrance estimates, and inheritance mode, an automated score was calculated to assess if this variant is too frequent to cause the disease. Based on the score and internal cut-off values, a variant classified as benign is not then subjected to further curation. The score for this variant resulted in a classification of benign for this disease.

Laboratory for Molecular Medicine, Mass General Brigham Personalized Medicine
Classification: Benign. Last evaluated: 2016-03-28. Review status: criteria provided, single submitter. Criteria: LMM Criteria. Collection method: clinical testing. Allele origin: germline.
Comment: Variant identified in a genome or exome case(s) and assessed due to predicted null impact of the variant or pathogenic assertions in the literature or databases. Disclaimer: This variant has not undergone full assessment. The following are preliminary notes: Frequency

GeneDx
Classification: Benign. Last evaluated: 2014-02-03. Review status: criteria provided, single submitter. Criteria: GeneDx Variant Classification (06012015). Collection method: clinical testing. Allele origin: germline. Affected: yes.
Comment: This variant is considered likely benign or benign based on one or more of the following criteria: it is a conservative change, it occurs at a poorly conserved position in the protein, it is predicted to be benign by multiple in silico algorithms, and/or has population frequency not consistent with disease.

PreventionGenetics, part of Exact Sciences
Classification: Benign. Review status: criteria provided, single submitter. Criteria: ACMG Guidelines, 2015. Collection method: clinical testing. Allele origin: germline.

NM_006846.4(SPINK5):c.2475G>T (p.Glu825Asp)

Gene: SPINK5 (serine peptidase inhibitor Kazal type 5; plus strand). Cytogenetic location: 5q32.
Variant type: single nucleotide variant.
Coding change: c.2475G>T on transcript NM_006846.4 (MANE Select); coding-DNA position 2475, G replaced by T.
Protein change: p.Glu825Asp; replaces glutamic acid 825 with aspartic acid.
Molecular consequence: missense variant.
Genome position (GRCh38, 1-based): chr5:148,120,328, G>T. VCF-style: chr5-148120328-G-T. GRCh37 (hg19) VCF-style: chr5-147499891-G-T.
Other names: p.E825D:GAG>GAT; c.2475G>T, p.Glu825Asp (NM_001127698.2, NM_001127699.2); short protein forms E825D.
Identifiers: ClinVar variation 139262 (VCV000139262.22), dbSNP rs2303070, ClinGen allele CA293708.